The following is an entry in ClinVar:

ClinVar aggregate classification (germline): Likely benign. Review status: criteria provided, single submitter (1 of 4 stars). 3 submissions from 3 submitters: Likely benign (1). 2 of the submissions do not count toward it. Last evaluated 2023-12-04.

Submissions (3):

Women's Health and Genetics/Laboratory Corporation of America, LabCorp
Classification: Likely benign. Last evaluated: 2023-12-04. Review status: criteria provided, single submitter. Criteria: LabCorp Variant Classification Summary - May 2015. Collection method: clinical testing. Allele origin: germline.
Comment: Variant summary: TRIM63 c.1052-21_1052-20delGT alters a nucleotide located at a position not widely known to affect splicing. Consensus agreement among computation tools predict no significant impact on normal splicing. However, these predictions have yet to be confirmed by functional studies. The variant allele was found at a frequency of 0.00015 in 119562 control chromosomes (gnomAD). This frequency is not significantly higher than estimated for a pathogenic variant in TRIM63 causing Hypertrophic Cardiomyopathy (0.00015 vs 0.005), allowing no conclusion about variant significance. To our knowledge, no occurrence of c.1052-21_1052-20delGT in individuals affected with Hypertrophic Cardiomyopathy and no experimental evidence demonstrating its impact on protein function have been reported. No submitters have cited clinical-significance assessments for this variant to ClinVar after 2014. Based on the evidence outlined above, the variant was classified as likely benign.

Genome Diagnostics Laboratory, University Medical Center Utrecht
Classification: Likely benign. Review status: no assertion criteria provided. Collection method: clinical testing. Allele origin: germline. Affected: yes. Study: VKGL Data-share Consensus. Not counted in ClinVar's aggregate classification.

Joint Genome Diagnostic Labs from Nijmegen and Maastricht, Radboudumc and MUMC+
Classification: Likely benign. Review status: no assertion criteria provided. Collection method: clinical testing. Allele origin: germline. Affected: yes. Study: VKGL Data-share Consensus. Not counted in ClinVar's aggregate classification.

NM_032588.4(TRIM63):c.1052-21_1052-20del

Gene: TRIM63 (tripartite motif containing 63; minus strand). Cytogenetic location: 1p36.11.
Variant type: Deletion.
Coding change: c.1052-21_1052-20del on transcript NM_032588.4 (MANE Select); 21 bases into the intron before coding-DNA position 1052 through 20 bases into the intron before coding-DNA position 1052, 2 bases deleted (GT; older notation c.1052-21_1052-20delGT).
Molecular consequence: intron variant.
Genome position (GRCh38, 1-based): chr1:26,051,903-26,051,904, AC deleted on the plus strand (GT on the coding strand, the reverse complement: TRIM63 is on the minus strand); deleting any 2 consecutive bases within chr1:26,051,903-26,051,905 gives the same sequence; the c. name uses the placement nearest the transcript's 3' end. VCF-style (leftmost placement, unchanged base first): chr1-26051902-TAC-T. GRCh37 (hg19) VCF-style: chr1-26378393-TAC-T.
Other names: c.1052-21_1052-20delGT (NM_032588.4).
Identifiers: ClinVar variation 1284939 (VCV001284939.4), dbSNP rs768795582, ClinGen allele CA699433.